The following is an entry in ClinVar:

ClinVar aggregate classification (germline): Uncertain significance (1 of 4 stars; one submission).

Conditions:
Hereditary cancer-predisposing syndrome. Also called: Hereditary Cancer Syndrome; Hereditary neoplastic syndrome; Neoplastic Syndromes, Hereditary; Tumor predisposition. Identifiers: Orphanet 140162, MedGen C0027672, MeSH D009386, MONDO:0015356.

Submission:

Ambry Genetics
Classification: Uncertain significance for Hereditary cancer-predisposing syndrome. Last evaluated: 2021-12-11. Review status: criteria provided, single submitter. Criteria: Ambry Variant Classification Scheme 2023. Collection method: clinical testing. Allele origin: germline.
Comment: The p.S51R variant (also known as c.151A>C), located in coding exon 2 of the NTHL1 gene, results from an A to C substitution at nucleotide position 151. The serine at codon 51 is replaced by arginine, an amino acid with dissimilar properties. This amino acid position is conserved. In addition, this alteration is predicted to be tolerated by in silico analysis. Since supporting evidence is limited at this time, the clinical significance of this alteration remains unclear.

NM_002528.7(NTHL1):c.127A>C (p.Ser43Arg)

Gene: NTHL1 (nth like DNA glycosylase 1; minus strand). Cytogenetic location: 16p13.3.
Variant type: single nucleotide variant.
Coding change: c.127A>C on transcript NM_002528.7 (MANE Select); coding-DNA position 127, A replaced by C.
Protein change: p.Ser43Arg; replaces serine 43 with arginine.
Molecular consequence: missense variant. On other transcripts: 5 prime UTR variant (1).
Genome position (GRCh38, 1-based): chr16:2,046,355, T>G on the plus strand (A>C on the coding strand, the complement: NTHL1 is on the minus strand). VCF-style: chr16-2046355-T-G. GRCh37 (hg19) VCF-style: chr16-2096356-T-G.
Other names: c.127A>C, p.Ser43Arg (NM_001318193.2); c.-52A>C (NM_001318194.2); short protein forms S43R.
Identifiers: ClinVar variation 1774381 (VCV001774381.2), dbSNP rs1209679396, ClinGen allele CA394298070.